The following is an entry in ClinVar:

NM_206933.4(USH2A):c.8995_8998dup (p.Phe3000fs)

Gene: USH2A (usherin; minus strand). Cytogenetic location: 1q41.
Variant type: Duplication.
Coding change: c.8995_8998dup on transcript NM_206933.4 (MANE Select); coding-DNA positions 8995 to 8998, 4 bases duplicated (GTCT; older notation c.8995_8998dupGTCT).
Protein change: p.Phe3000fs; shifts the reading frame from phenylalanine 3000.
Molecular consequence: frameshift variant.
Genome position (GRCh38, 1-based): chr1:215,845,881-215,845,884, AGAC duplicated on the plus strand (GTCT on the coding strand, the reverse complement: USH2A is on the minus strand); duplicating any 4 consecutive bases within chr1:215,845,881-215,845,887 gives the same sequence; the c. name uses the placement nearest the transcript's 3' end. VCF-style (leftmost placement, unchanged base first): chr1-215845880-A-AAGAC. GRCh37 (hg19) VCF-style: chr1-216019222-A-AAGAC.
Other names: short protein forms F3000fs.
Identifiers: ClinVar variation 4817162 (VCV004817162.1).
Genomic context (GRCh38, chr1:215,845,880, plus strand): 5'-TCACCCCCATCGCAAGTGGTTGCATGAAGTCCTGCACTGTTGATGCTGTGGACTCCATTG[A>AAGAC]AGACAGAGATAAAGATCCAATACTCTGTGTTTGGCTTTAGGTGGCCAATGACATGAGAGT-3'

ClinVar aggregate classification (germline): Likely pathogenic (1 of 4 stars; one submission).

Conditions:
Usher syndrome type 2A. Also called: RETINAL DISEASE IN USHER SYNDROME TYPE IIA, MODIFIER OF; USHER SYNDROME, TYPE IIA. Identifiers: Orphanet 231178, Orphanet 886, MedGen C1848634, MONDO:0010169, OMIM 276901.

Submission:

Natera, Inc.
Classification: Likely pathogenic for Usher syndrome type 2A. Last evaluated: 2024-04-26. Review status: criteria provided, single submitter. Criteria: Natera Variant Classification Schema (03/2026). Collection method: clinical testing. Allele origin: germline.
Comment: The c.8995_8998dupGTCT variant in USH2A is a frameshift variant predicted to shift the reading frame beginning at codon 3000 and leads to a stop codon 54 codons downstream. This variant is expected to result in nonsense mediated decay, truncation, or a dysfunctional protein product. This variant is rare in the general population with a frequency below the threshold expected for the associated phenotype(s). Given the available evidence, this variant is classified as Likely Pathogenic.